The following is an entry in ClinVar:

NM_000478.6(ALPL):c.1023T>A (p.His341Gln)

Gene: ALPL (alkaline phosphatase, biomineralization associated; plus strand). Cytogenetic location: 1p36.12.
Variant type: single nucleotide variant.
Coding change: c.1023T>A on transcript NM_000478.6 (MANE Select); coding-DNA position 1023, T replaced by A.
Protein change: p.His341Gln; replaces histidine 341 with glutamine.
Molecular consequence: missense variant.
Genome position (GRCh38, 1-based): chr1:21,575,758, T>A. VCF-style: chr1-21575758-T-A. GRCh37 (hg19) VCF-style: chr1-21902251-T-A.
Other names: c.858T>A, p.His286Gln (NM_001127501.4); c.792T>A, p.His264Gln (NM_001177520.3); c.1023T>A, p.His341Gln (NM_001369803.2, NM_001369804.2, NM_001369805.2); short protein forms H264Q, H341Q, H286Q.
Identifiers: ClinVar variation 1458303 (VCV001458303.10), dbSNP rs1280398041, ClinGen allele CA338881022.

ClinVar aggregate classification (germline): Pathogenic. Review status: criteria provided, multiple submitters, no conflicts (2 of 4 stars). 3 submissions from 3 submitters: Pathogenic (3). Last evaluated 2025-08-29.

Conditions:
Hypophosphatasia. Also called: Phosphoethanol-aminuria. Identifiers: Orphanet 436, MedGen C0020630, MeSH D007014, MONDO:0018570.

Allele frequency attached by ClinVar (database versions not stated): gnomAD exomes below 0.00001.
gnomAD v4.1: 1 of 1,614,048 alleles (0.000062%); highest among the groups gnomAD compares: Non-Finnish European, 0.000085%; no homozygotes.

Submissions (3):

Genomenon, Inc
Classification: Pathogenic for Hypophosphatasia. Last evaluated: 2025-08-29. Review status: criteria provided, single submitter. Criteria: Genomenon Sequence Variant Interpretation Standards. Collection method: curation. Allele origin: germline. Affected: yes.
Comment: ALPL p.His341Gln (c.1023T>A) is a missense variant that changes the amino acid at residue 341 from Histidine to Glutamine. This variant has been observed in at least one proband affected with hypophosphatasia (PMID:33191482). The variant was found to segregate with disease in at least one affected family (PMID:33191482). At least one functional study has demonstrated a substantial alteration in protein function relative to the wild-type (PMID:32160374). It is absent or not present at a significant frequency in gnomAD. In silico models agree that this variant is possibly or probably damaging. In conclusion, we classify ALPL p.His341Gln (c.1023T>A) as a pathogenic variant.

JKU Lab, Dept of Paediatrics, Johannes Kepler University
Classification: Pathogenic for Hypophosphatasia. Last evaluated: 2024-10-08. Review status: criteria provided, single submitter. Criteria: ACMG Guidelines, 2015. Collection method: curation. Allele origin: germline. Affected: yes.
Comment: This missense variant is present in GnomAD 4.1 (f = 8.475e-7 in the European, non-Finnish population) and affects a highly conserved amino acid in the active site domain. The variant is predicted to affect protein function (REVEL score: 0.745). Splice-prediction algorithms predict no effect on splicing. This variant has been reported in the literature in individuals affected with ALPL-related conditions (PMID:33191482;PMID:31000369).

Labcorp Genetics (formerly Invitae), Labcorp
Classification: Pathogenic. Last evaluated: 2021-10-27. Review status: criteria provided, single submitter. Criteria: Invitae Variant Classification Sherloc (09022015). Collection method: clinical testing. Allele origin: germline.
Comment: For these reasons, this variant has been classified as Pathogenic. This variant disrupts the p.His341 amino acid residue in ALPL. Other variant(s) that disrupt this residue have been determined to be pathogenic (PMID: 24276437, 32160374, 33549410). This suggests that this residue is clinically significant, and that variants that disrupt this residue are likely to be disease-causing. Experimental studies have shown that this missense change affects ALPL function (PMID: 32160374). Advanced modeling of protein sequence and biophysical properties (such as structural, functional, and spatial information, amino acid conservation, physicochemical variation, residue mobility, and thermodynamic stability) performed at Invitae indicates that this missense variant is expected to disrupt ALPL protein function. This missense change has been observed in individual(s) with hypophosphatasia (PMID: 33191482). This variant is present in population databases (no rsID available, gnomAD 0.0009%). This sequence change replaces histidine, which is basic and polar, with glutamine, which is neutral and polar, at codon 341 of the ALPL protein (p.His341Gln).

Literature cited by the submitters: PubMed 33191482 (cited by 3 submitters); PubMed 32160374 (cited by Genomenon, Inc and Labcorp Genetics (formerly Invitae), Labcorp); PubMed 31000369 (cited by JKU Lab, Dept of Paediatrics, Johannes Kepler University); PubMed 24276437 (cited by Labcorp Genetics (formerly Invitae), Labcorp); PubMed 33549410 (cited by Labcorp Genetics (formerly Invitae), Labcorp).